The following is an entry in ClinVar:

NM_001292063.2(OTOG):c.5549C>G (p.Pro1850Arg)

Gene: OTOG (otogelin; plus strand). Cytogenetic location: 11p15.1.
Variant type: single nucleotide variant.
Coding change: c.5549C>G on transcript NM_001292063.2 (MANE Select); coding-DNA position 5549, C replaced by G.
Protein change: p.Pro1850Arg; replaces proline 1850 with arginine.
Molecular consequence: missense variant.
Genome position (GRCh38, 1-based): chr11:17,610,849, C>G. VCF-style: chr11-17610849-C-G. GRCh37 (hg19) VCF-style: chr11-17632396-C-G.
Other names: c.5585C>G, p.Pro1862Arg (NM_001277269.2); short protein forms P1850R, P1862R.
Identifiers: ClinVar variation 666631 (VCV000666631.12), dbSNP rs376684690, ClinGen allele CA5905935.

ClinVar aggregate classification (germline): Benign/Likely benign. Review status: criteria provided, multiple submitters, no conflicts (2 of 4 stars). 5 submissions from 5 submitters: Benign (2); Likely benign (2). 1 of the submissions does not count toward it. Last evaluated 2025-12-17.

Conditions:
OTOG-related disorder. Also called: OTOG-related condition.

Allele frequency attached by ClinVar (database versions not stated): ExAC 0.00083; gnomAD 0.00210; 1000 Genomes Project 30x 0.00219; TOPMed 0.00224; 1000 Genomes Project 0.00260.
gnomAD v4.1: 623 of 1,550,956 alleles (0.04%); highest among the groups gnomAD compares: African/African-American, 0.78%; 3 homozygotes.

Submissions (5):

Labcorp Genetics (formerly Invitae), Labcorp
Classification: Benign. Last evaluated: 2025-12-17. Review status: criteria provided, single submitter. Criteria: Invitae Variant Classification Sherloc (09022015). Collection method: clinical testing. Allele origin: germline.

Blueprint Genetics
Classification: Likely benign. Last evaluated: 2024-11-27. Review status: criteria provided, single submitter. Criteria: ACMG Guidelines, 2015. Collection method: clinical testing. Allele origin: germline.

GeneDx
Classification: Likely benign. Last evaluated: 2018-04-24. Review status: criteria provided, single submitter. Criteria: GeneDx Variant Classification (06012015). Collection method: clinical testing. Allele origin: germline. Affected: yes.
Comment: This variant is considered likely benign or benign based on one or more of the following criteria: it is a conservative change, it occurs at a poorly conserved position in the protein, it is predicted to be benign by multiple in silico algorithms, and/or has population frequency not consistent with disease.

Laboratory for Molecular Medicine, Mass General Brigham Personalized Medicine
Classification: Benign. Last evaluated: 2017-04-19. Review status: criteria provided, single submitter. Criteria: LMM Criteria. Collection method: clinical testing. Allele origin: germline. Observed: 1 variant allele.
Comment: p.Pro1862Arg in exon 35 of OTOG: This variant is not expected to have clinical s ignificance because it has been identified in 0.86% of African chromosomes by th e genome Aggregation Database (gnomAD; no dbSN P).

PreventionGenetics, part of Exact Sciences
Classification: Benign for OTOG-related condition. Last evaluated: 2020-01-02. Review status: no assertion criteria provided. Collection method: clinical testing. Allele origin: germline. Not counted in ClinVar's aggregate classification.
Comment: This variant is classified as benign based on ACMG/AMP sequence variant interpretation guidelines (Richards et al. 2015 PMID: 25741868, with internal and published modifications).